The following is an entry in ClinVar:

NM_000179.3(MSH6):c.3226dup (p.Arg1076fs)

Gene: MSH6 (mutS homolog 6; plus strand). Cytogenetic location: 2p16.3.
Variant type: Duplication.
Coding change: c.3226dup on transcript NM_000179.3 (MANE Select); coding-DNA position 3226, one base duplicated (C; older notation c.3226dupC).
Protein change: p.Arg1076fs; shifts the reading frame from arginine 1076.
Molecular consequence: frameshift variant.
Genome position (GRCh38, 1-based): chr2:47,803,473, C duplicated. VCF-style (leftmost placement, unchanged base first): chr2-47803472-T-TC. GRCh37 (hg19) VCF-style: chr2-48030611-T-TC.
Other names: c.2836dup, p.Arg946fs (NM_001281492.2); c.2320dup, p.Arg774fs (NM_001281493.2, NM_001281494.2); c.3226dupC (NM_000179.2); short protein forms R774fs, R946fs, R1076fs.
Identifiers: ClinVar variation 545880 (VCV000545880.6), dbSNP rs1553331304, ClinGen allele CA658822261.

ClinVar aggregate classification (germline): Pathogenic. Review status: criteria provided, multiple submitters, no conflicts (2 of 4 stars). 3 submissions from 3 submitters: Pathogenic (3). Last evaluated 2026-01-27.

Conditions:
Hereditary nonpolyposis colorectal neoplasms. Identifiers: MedGen C0009405, MeSH D003123.
Lynch syndrome 5 (LYNCH5). Also called: Hereditary non-polyposis colorectal cancer, type 5; Colorectal cancer, hereditary nonpolyposis, type 5. Identifiers: Orphanet 144, MedGen C1833477, MONDO:0013710, OMIM 614350. Disease mechanism: loss of function.

Submissions (3):

Labcorp Genetics (formerly Invitae), Labcorp
Classification: Pathogenic for Hereditary nonpolyposis colorectal neoplasms. Last evaluated: 2026-01-27. Review status: criteria provided, single submitter. Criteria: Invitae Variant Classification Sherloc (09022015). Collection method: clinical testing. Allele origin: germline.
Comment: This sequence change creates a premature translational stop signal (p.Arg1076Profs*17) in the MSH6 gene. It is expected to result in an absent or disrupted protein product. Loss-of-function variants in MSH6 are known to be pathogenic (PMID: 18269114, 24362816). This variant is not present in population databases (gnomAD no frequency). This variant has not been reported in the literature in individuals affected with MSH6-related conditions. ClinVar contains an entry for this variant (Variation ID: 545880). For these reasons, this variant has been classified as Pathogenic.

Myriad Genetics, Inc.
Classification: Pathogenic for Lynch syndrome 5. Last evaluated: 2023-08-22. Review status: criteria provided, single submitter. Criteria: Myriad Autosomal Dominant, Autosomal Recessive and X-Linked Classification Criteria (2023). Collection method: clinical testing. Allele origin: unknown.
Comment: This variant is considered pathogenic. This variant creates a frameshift predicted to result in premature protein truncation.

GeneDx
Classification: Pathogenic. Last evaluated: 2018-02-20. Review status: criteria provided, single submitter. Criteria: GeneDx Variant Classification (06012015). Collection method: clinical testing. Allele origin: germline. Affected: yes.
Comment: This duplication of one nucleotide in MSH6 is denoted c.3226dupC at the cDNA level and p.Arg1076ProfsX17 (R1076PfsX17) at the protein level. The normal sequence, with the base that is duplicated in brackets, is GTGT[dupC]GCCC. The duplication causes a frameshift which changes an Arginine to a Proline at codon 1076, and creates a premature stop codon at position 17 of the new reading frame. Although this variant has not, to our knowledge, been reported in the literature, it is predicted to cause loss of normal protein function through either protein truncation or nonsense-mediated mRNA decay. We consider this variant to be pathogenic.

Literature cited by the submitters: PubMed 18269114 (cited by Labcorp Genetics (formerly Invitae), Labcorp); PubMed 24362816 (cited by Labcorp Genetics (formerly Invitae), Labcorp).